The following is an entry in ClinVar:

NM_001386298.1(CIC):c.3281C>A (p.Ser1094Tyr)

Gene: CIC (capicua transcriptional repressor; plus strand). Cytogenetic location: 19q13.2.
Variant type: single nucleotide variant.
Coding change: c.3281C>A on transcript NM_001386298.1 (MANE Select); coding-DNA position 3281, C replaced by A.
Protein change: p.Ser1094Tyr; replaces serine 1094 with tyrosine.
Molecular consequence: missense variant.
Genome position (GRCh38, 1-based): chr19:42,287,421, C>A. VCF-style: chr19-42287421-C-A. GRCh37 (hg19) VCF-style: chr19-42791573-C-A.
Other names: c.3281C>A, p.Ser1094Tyr (NM_001304815.2, NM_001379480.1, NM_001379482.1); c.554C>A, p.Ser185Tyr (NM_001379484.1, NM_001379485.1, NM_015125.5); short protein forms S1094Y, S185Y.
Identifiers: ClinVar variation 3378074 (VCV003378074.1).
Genomic context (GRCh38, chr19:42,287,421, plus strand): 5'-CGCCCGGAAAACGTCGGACCCAGTCCCTCAGTGCCCTACCCAAGGAACGGGACTCATCTT[C>A]TGAGAAGGATGGACGCAGCCCCAACAAGGTACTTTATCCCTGCCTGTCCTGTGCTCACCC-3'
Protein context (NP_001373227.1, residues 1084-1104): SALPKERDSS[Ser1094Tyr]EKDGRSPNKR

ClinVar aggregate classification (germline): Uncertain significance (1 of 4 stars; one submission).

gnomAD v4.1: 1 of 1,613,984 alleles (0.000062%); highest among the groups gnomAD compares: Admixed American, 0.0017%; no homozygotes.

Submission:

GeneDx
Classification: Uncertain significance. Last evaluated: 2024-05-12. Review status: criteria provided, single submitter. Criteria: GeneDx Variant Classification Process June 2021. Collection method: clinical testing. Allele origin: germline. Affected: yes.
Comment: Not observed at significant frequency in large population cohorts (gnomAD); In silico analysis supports that this missense variant has a deleterious effect on protein structure/function; Has not been previously published as pathogenic or benign to our knowledge